The following is an entry in ClinVar:

ClinVar aggregate classification (germline): Uncertain significance. Review status: criteria provided, multiple submitters, no conflicts (2 of 4 stars). 7 submissions from 7 submitters: Uncertain significance (7). Last evaluated 2026-01-02.

Conditions:
Facial dysmorphism-immunodeficiency-livedo-short stature syndrome. Also called: Facial dysmorphism, immunodeficiency, livedo, and short stature; FILS syndrome. Identifiers: Orphanet 352712, MedGen C3554576, MONDO:0014058, OMIM 615139.
Colorectal cancer, susceptibility to, 12 (CRCS12). Also called: COLORECTAL CANCER, SUSCEPTIBILITY TO, ON CHROMOSOME 12q24. Identifiers: Orphanet 220460, MedGen C3554460, MONDO:0014038, OMIM 615083.
Intrauterine growth retardation, metaphyseal dysplasia, adrenal hypoplasia congenita, genital anomalies, and immunodeficiency. Also called: IMAGEI SYNDROME. Identifiers: MedGen C5193036, MONDO:0032684, OMIM 618336.
Hereditary cancer-predisposing syndrome. Also called: Hereditary neoplastic syndrome; Neoplastic Syndromes, Hereditary; Hereditary Cancer Syndrome; Tumor predisposition. Identifiers: Orphanet 140162, MedGen C0027672, MeSH D009386, MONDO:0015356.

Allele frequency attached by ClinVar (database versions not stated): gnomAD 0.00001 and 0.00002; gnomAD exomes 0.00001; TOPMed 0.00002; 1000 Genomes Project 30x 0.00016; 1000 Genomes Project 0.00020.
gnomAD v4.1: 17 of 1,613,586 alleles (0.0011%); highest among the groups gnomAD compares: East Asian, 0.0067%; no homozygotes.

Submissions (7):

Labcorp Genetics (formerly Invitae), Labcorp
Classification: Uncertain significance. Last evaluated: 2026-01-02. Review status: criteria provided, single submitter. Criteria: Invitae Variant Classification Sherloc (09022015). Collection method: clinical testing. Allele origin: germline.
Comment: This sequence change replaces alanine, which is neutral and non-polar, with valine, which is neutral and non-polar, at codon 1349 of the POLE protein (p.Ala1349Val). This variant is present in population databases (rs536988344, gnomAD 0.006%). This variant has not been reported in the literature in individuals affected with POLE-related conditions. ClinVar contains an entry for this variant (Variation ID: 405902). Invitae Evidence Modeling of protein sequence and biophysical properties (such as structural, functional, and spatial information, amino acid conservation, physicochemical variation, residue mobility, and thermodynamic stability) indicates that this missense variant is not expected to disrupt POLE protein function with a negative predictive value of 80%. In summary, the available evidence is currently insufficient to determine the role of this variant in disease. Therefore, it has been classified as a Variant of Uncertain Significance.

Ambry Genetics
Classification: Uncertain significance for Hereditary cancer-predisposing syndrome. Last evaluated: 2024-12-12. Review status: criteria provided, single submitter. Criteria: Ambry Variant Classification Scheme 2023. Collection method: clinical testing. Allele origin: germline.
Comment: The p.A1349V variant (also known as c.4046C>T), located in coding exon 32 of the POLE gene, results from a C to T substitution at nucleotide position 4046. The alanine at codon 1349 is replaced by valine, an amino acid with similar properties. This amino acid position is highly conserved in available vertebrate species. In addition, the in silico prediction for this alteration is inconclusive. Based on the available evidence, the clinical significance of this variant remains unclear.

Blueprint Genetics
Classification: Uncertain significance. Last evaluated: 2024-05-29. Review status: criteria provided, single submitter. Criteria: ACMG Guidelines, 2015. Collection method: clinical testing. Allele origin: germline.

GeneDx
Classification: Uncertain significance. Last evaluated: 2023-09-21. Review status: criteria provided, single submitter. Criteria: GeneDx Variant Classification Process June 2021. Collection method: clinical testing. Allele origin: germline. Affected: yes.
Comment: Not observed at significant frequency in large population cohorts (gnomAD); In silico analysis supports that this missense variant does not alter protein structure/function; Has not been previously published as pathogenic or benign to our knowledge; This variant is associated with the following publications: (PMID: 28912153, 35506567)

St. Jude Molecular Pathology, St. Jude Children's Research Hospital
Classification: Uncertain significance for Colorectal cancer, susceptibility to, 12. Last evaluated: 2023-05-03. Review status: criteria provided, single submitter. Criteria: St. Jude Assertion Criteria 2020. Collection method: clinical testing. Allele origin: germline.
Comment: The POLE c.4046C>T (p.Ala1349Val) missense change has a maximum subpopulation frequency of 0.01% in gnomAD v2.1.1. The in silico tool REVEL predicts a benign effect on protein function, but to our knowledge this prediction has not been confirmed by functional studies. To our knowledge, this variant has not been reported in the literature in individuals with POLE-related disease. In summary, the evidence currently available is insufficient to determine the clinical significance of this variant. It has therefore been classified as of uncertain significance.

Department of Pathology and Laboratory Medicine, Sinai Health System
Classification: Uncertain significance for Colorectal cancer, susceptibility to, 12; Facial dysmorphism-immunodeficiency-livedo-short stature syndrome; Intrauterine growth retardation, metaphyseal dysplasia, adrenal hypoplasia congenita, genital anomalies, and immunodeficiency. Last evaluated: 2023-02-03. Review status: criteria provided, single submitter. Criteria: ACMG Guidelines, 2015. Collection method: clinical testing. Allele origin: germline.

Quest Diagnostics Nichols Institute San Juan Capistrano
Classification: Uncertain significance. Last evaluated: 2018-08-01. Review status: criteria provided, single submitter. Criteria: Quest Diagnostics criteria. Collection method: clinical testing. Allele origin: germline.

NM_006231.4(POLE):c.4046C>T (p.Ala1349Val)

Gene: POLE (DNA polymerase epsilon, catalytic subunit; minus strand). Cytogenetic location: 12q24.33.
Variant type: single nucleotide variant.
Coding change: c.4046C>T on transcript NM_006231.4 (MANE Select); coding-DNA position 4046, C replaced by T.
Protein change: p.Ala1349Val; replaces alanine 1349 with valine.
Molecular consequence: missense variant.
Genome position (GRCh38, 1-based): chr12:132,649,032, G>A on the plus strand (C>T on the coding strand, the complement: POLE is on the minus strand). VCF-style: chr12-132649032-G-A. GRCh37 (hg19) VCF-style: chr12-133225618-G-A.
Other names: short protein forms A1349V.
Identifiers: ClinVar variation 405902 (VCV000405902.32), dbSNP rs536988344, ClinGen allele CA16613795.